The following is an entry in ClinVar:

NM_001243133.2(NLRP3):c.532_535del (p.Gln178fs)

Gene: NLRP3 (NLR family pyrin domain containing 3; plus strand). Cytogenetic location: 1q44.
Variant type: Deletion.
Coding change: c.532_535del on transcript NM_001243133.2 (MANE Select); coding-DNA positions 532 to 535, 4 bases deleted (CAGC; older notation c.532_535delCAGC).
Protein change: p.Gln178fs; shifts the reading frame from glutamine 178.
Molecular consequence: frameshift variant.
Genome position (GRCh38, 1-based): chr1:247,423,981-247,423,984, CAGC deleted; deleting any 4 consecutive bases within chr1:247,423,978-247,423,984 gives the same sequence; the c. name uses the placement nearest the transcript's 3' end. VCF-style (leftmost placement, unchanged base first): chr1-247423977-GAGCC-G. GRCh37 (hg19) VCF-style: chr1-247587279-GAGCC-G.
Other names: c.532_535del, p.Gln178fs (NM_001079821.3, NM_001127461.3, NM_001127462.3 and 1 more transcripts); c.538_541delCAGC, p.Gln180Argfs (NM_004895.4); c.538_541del, p.Gln180fs (NM_004895.5); short protein forms Q178fs, Q180fs.
Identifiers: ClinVar variation 2663365 (VCV002663365.2), dbSNP rs2527255648, ClinGen allele CA2695200414.

ClinVar aggregate classification (germline): Uncertain significance. Review status: criteria provided, multiple submitters, no conflicts (2 of 4 stars). 2 submissions from 2 submitters: Uncertain significance (2). Last evaluated 2025-05-27.

Conditions:
Cryopyrin associated periodic syndrome (CAPS). Identifiers: Orphanet 208650, MedGen C2316212, MONDO:0016168.

Submissions (2):

Labcorp Genetics (formerly Invitae), Labcorp
Classification: Uncertain significance for Cryopyrin associated periodic syndrome. Last evaluated: 2025-05-27. Review status: criteria provided, single submitter. Criteria: Invitae Variant Classification Sherloc (09022015). Collection method: clinical testing. Allele origin: germline.
Comment: This sequence change creates a premature translational stop signal (p.Gln180Argfs*20) in the NLRP3 gene. It is expected to result in an absent or disrupted protein product. However, the current clinical and genetic evidence is not sufficient to establish whether loss-of-function variants in NLRP3 cause disease. This variant is not present in population databases (gnomAD no frequency). This variant has not been reported in the literature in individuals affected with NLRP3-related conditions. ClinVar contains an entry for this variant (Variation ID: 2663365). In summary, the available evidence is currently insufficient to determine the role of this variant in disease. Therefore, it has been classified as a Variant of Uncertain Significance.

GeneDx
Classification: Uncertain significance. Last evaluated: 2023-11-01. Review status: criteria provided, single submitter. Criteria: GeneDx Variant Classification Process June 2021. Collection method: clinical testing. Allele origin: germline. Affected: yes.
Comment: Frameshift variant predicted to result in protein truncation or nonsense mediated decay in a gene for which loss-of-function is not a known mechanism of disease; Not observed in large population cohorts (gnomAD); Has not been previously published as pathogenic or benign to our knowledge